The following is an entry in ClinVar:

NM_000465.4(BARD1):c.889G>A (p.Val297Ile)

Gene: BARD1 (BRCA1 associated RING domain 1; minus strand). Cytogenetic location: 2q35.
Variant type: single nucleotide variant.
Coding change: c.889G>A on transcript NM_000465.4 (MANE Select); coding-DNA position 889, G replaced by A.
Protein change: p.Val297Ile; replaces valine 297 with isoleucine.
Molecular consequence: missense variant. On other transcripts: non-coding transcript variant (2), intron variant (3).
Genome position (GRCh38, 1-based): chr2:214,780,985, C>T on the plus strand (G>A on the coding strand, the complement: BARD1 is on the minus strand). VCF-style: chr2-214780985-C-T. GRCh37 (hg19) VCF-style: chr2-215645709-C-T.
Other names: c.832G>A, p.Val278Ile (NM_001282543.2); c.158+28427G>A (NM_001282548.2); c.215+16076G>A (NM_001282545.2); c.364+11312G>A (NM_001282549.2); short protein forms V297I, V278I.
Identifiers: ClinVar variation 233502 (VCV000233502.19), dbSNP rs754720101, ClinGen allele CA2090369.

ClinVar aggregate classification (germline): Uncertain significance. Review status: criteria provided, multiple submitters, no conflicts (2 of 4 stars). 6 submissions from 6 submitters: Uncertain significance (6). Last evaluated 2025-04-14.

Conditions:
Hereditary cancer-predisposing syndrome. Also called: Neoplastic Syndromes, Hereditary; Tumor predisposition; Hereditary Cancer Syndrome; Hereditary neoplastic syndrome. Identifiers: Orphanet 140162, MedGen C0027672, MeSH D009386, MONDO:0015356.
Familial cancer of breast. Also called: BREAST CANCER, FAMILIAL; hereditary breast carcinoma; Hereditary breast cancer. Identifiers: Orphanet 227535, MedGen C0346153, MONDO:0016419, OMIM 114480. Disease mechanism: loss of function.

Allele frequency attached by ClinVar (database versions not stated): gnomAD exomes 0.00001; ExAC 0.00002.
gnomAD v4.1: 3 of 1,613,414 alleles (0.00019%); highest among the groups gnomAD compares: South Asian, 0.0011%; no homozygotes.

Submissions (6):

ARUP Laboratories, Molecular Genetics and Genomics, ARUP Laboratories
Classification: Uncertain significance for Familial cancer of breast. Last evaluated: 2025-04-14. Review status: criteria provided, single submitter. Criteria: ARUP Molecular Germline Variant Investigation Process 2024. Collection method: clinical testing. Allele origin: germline.
Comment: The BARD1 c.889G>A; p.Val297Ile variant (rs754720101), to our knowledge, is not reported in the medical literature but is reported in ClinVar (Variation ID: 233502). This variant is only observed on two alleles in the Genome Aggregation Database (v2.1.1), indicating it is not a common polymorphism. Computational analyses predict that this variant is neutral (REVEL: 0.103). Due to limited information, the clinical significance of this variant is uncertain at this time.

GeneDx
Classification: Uncertain significance. Last evaluated: 2025-04-01. Review status: criteria provided, single submitter. Criteria: GeneDx Variant Classification Process June 2021. Collection method: clinical testing. Allele origin: germline. Affected: yes.
Comment: Not observed at significant frequency in large population cohorts (gnomAD); In silico analysis indicates that this missense variant does not alter protein structure/function; Has not been previously published as pathogenic or benign to our knowledge

Color Diagnostics, LLC DBA Color Health
Classification: Uncertain significance for Hereditary cancer-predisposing syndrome. Last evaluated: 2025-03-31. Review status: criteria provided, single submitter. Criteria: ACMG Guidelines, 2015. Collection method: clinical testing. Allele origin: germline.
Comment: This missense variant replaces valine with isoleucine at codon 297 of the BARD1 protein. Computational prediction suggests that this variant may not impact protein structure and function (internally defined REVEL score threshold <= 0.5, PMID: 27666373). To our knowledge, functional studies have not been reported for this variant. This variant has not been reported in individuals affected with BARD1-related disorders in the literature. This variant has been identified in 2/250230 chromosomes in the general population by the Genome Aggregation Database (gnomAD). The available evidence is insufficient to determine the role of this variant in disease conclusively. Therefore, this variant is classified as a Variant of Uncertain Significance.

Center for Genomic Medicine, Rigshospitalet, Copenhagen University Hospital
Classification: Uncertain significance. Last evaluated: 2025-03-04. Review status: criteria provided, single submitter. Criteria: ACMG Guidelines, 2015. Collection method: clinical testing. Allele origin: germline.

Labcorp Genetics (formerly Invitae), Labcorp
Classification: Uncertain significance for Familial cancer of breast. Last evaluated: 2024-08-28. Review status: criteria provided, single submitter. Criteria: Invitae Variant Classification Sherloc (09022015). Collection method: clinical testing. Allele origin: germline.
Comment: This sequence change replaces valine, which is neutral and non-polar, with isoleucine, which is neutral and non-polar, at codon 297 of the BARD1 protein (p.Val297Ile). This variant is present in population databases (rs754720101, gnomAD 0.003%). This variant has not been reported in the literature in individuals affected with BARD1-related conditions. ClinVar contains an entry for this variant (Variation ID: 233502). An algorithm developed to predict the effect of missense changes on protein structure and function outputs the following: PolyPhen-2: "Benign". The isoleucine amino acid residue is found in multiple mammalian species, which suggests that this missense change does not adversely affect protein function. In summary, the available evidence is currently insufficient to determine the role of this variant in disease. Therefore, it has been classified as a Variant of Uncertain Significance.

Ambry Genetics
Classification: Uncertain significance for Hereditary cancer-predisposing syndrome. Last evaluated: 2024-04-27. Review status: criteria provided, single submitter. Criteria: Ambry Variant Classification Scheme 2023. Collection method: clinical testing. Allele origin: germline.
Comment: The p.V297I variant (also known as c.889G>A), located in coding exon 4 of the BARD1 gene, results from a G to A substitution at nucleotide position 889. The valine at codon 297 is replaced by isoleucine, an amino acid with highly similar properties. This amino acid position is not well conserved in available vertebrate species. In addition, this alteration is predicted to be tolerated by in silico analysis. Since supporting evidence is limited at this time, the clinical significance of this alteration remains unclear.